The following is an entry in ClinVar:

NM_000075.4(CDK4):c.550G>T (p.Glu184Ter)

Gene: CDK4 (cyclin dependent kinase 4; minus strand). Cytogenetic location: 12q14.1.
Variant type: single nucleotide variant.
Coding change: c.550G>T on transcript NM_000075.4 (MANE Select); coding-DNA position 550, G replaced by T.
Protein change: p.Glu184Ter; replaces glutamic acid 184 with a stop codon.
Molecular consequence: nonsense.
Genome position (GRCh38, 1-based): chr12:57,750,738, C>A on the plus strand (G>T on the coding strand, the complement: CDK4 is on the minus strand). VCF-style: chr12-57750738-C-A. GRCh37 (hg19) VCF-style: chr12-58144521-C-A.
Other names: short protein forms E184*.
Identifiers: ClinVar variation 2031166 (VCV002031166.4), dbSNP rs1595110227, ClinGen allele CA385545906.

ClinVar aggregate classification (germline): Uncertain significance (1 of 4 stars; one submission).

Conditions:
Familial melanoma. Also called: Hereditary melanoma; Hereditary cutaneous melanoma. Identifiers: Orphanet 618, MedGen C1512419, MONDO:0018961.

Submission:

Labcorp Genetics (formerly Invitae), Labcorp
Classification: Uncertain significance for Familial melanoma. Last evaluated: 2022-09-19. Review status: criteria provided, single submitter. Criteria: Invitae Variant Classification Sherloc (09022015). Collection method: clinical testing. Allele origin: germline.
Comment: In summary, the available evidence is currently insufficient to determine the role of this variant in disease. Therefore, it has been classified as a Variant of Uncertain Significance. Algorithms developed to predict the effect of sequence changes on RNA splicing suggest that this variant may disrupt the consensus splice site. This sequence change creates a premature translational stop signal (p.Glu184*) in the CDK4 gene. It is expected to result in an absent or disrupted protein product. However, the current clinical and genetic evidence is not sufficient to establish whether loss-of-function variants in CDK4 cause disease. This variant is not present in population databases (gnomAD no frequency). This variant has not been reported in the literature in individuals affected with CDK4-related conditions.